The following is an entry in ClinVar:

ClinVar aggregate classification (germline): Likely benign (1 of 4 stars; one submission).

Allele frequency attached by ClinVar (database versions not stated): 1000 Genomes Project 30x 0.00109; 1000 Genomes Project 0.00120; ExAC 0.00224; TOPMed 0.00233.
gnomAD v4.1: 678 of 1,607,270 alleles (0.042%); highest among the groups gnomAD compares: African/African-American, 0.63%; 3 homozygotes.

Submission:

CeGaT Center for Human Genetics Tuebingen
Classification: Likely benign. Last evaluated: 2022-06-01. Review status: criteria provided, single submitter. Criteria: CeGaT Center For Human Genetics Tuebingen Variant Classification Criteria Version 2. Collection method: clinical testing. Allele origin: germline. Affected: yes. Observed: 1 variant allele.
Comment: SRSF10: BP4, BP7

NM_054016.4(SRSF10):c.423G>A (p.Ser141=)

Gene: SRSF10 (serine and arginine rich splicing factor 10; minus strand). Cytogenetic location: 1p36.11.
Variant type: single nucleotide variant.
Coding change: c.423G>A on transcript NM_054016.4 (MANE Select); coding-DNA position 423, G replaced by A.
Protein change: p.Ser141=; no amino-acid change (serine 141 retained).
Molecular consequence: synonymous variant. On other transcripts: non-coding transcript variant (1).
Genome position (GRCh38, 1-based): chr1:23,971,864, C>T on the plus strand (G>A on the coding strand, the complement: SRSF10 is on the minus strand). VCF-style: chr1-23971864-C-T. GRCh37 (hg19) VCF-style: chr1-24298354-C-T.
Other names: c.423G>A, p.Ser141= (NM_001191005.3, NM_001191006.3, NM_001191007.3 and 4 more transcripts).
Identifiers: ClinVar variation 2638485 (VCV002638485.24), dbSNP rs112665933, ClinGen allele CA686937.